The following is an entry in ClinVar:

NM_001378457.1(DMXL2):c.1478G>A (p.Arg493Gln)

Gene: DMXL2 (Dmx like 2; minus strand). Cytogenetic location: 15q21.2.
Variant type: single nucleotide variant.
Coding change: c.1478G>A on transcript NM_001378457.1 (MANE Select); coding-DNA position 1478, G replaced by A.
Protein change: p.Arg493Gln; replaces arginine 493 with glutamine.
Molecular consequence: missense variant. On other transcripts: non-coding transcript variant (2).
Genome position (GRCh38, 1-based): chr15:51,537,627, C>T on the plus strand (G>A on the coding strand, the complement: DMXL2 is on the minus strand). VCF-style: chr15-51537627-C-T. GRCh37 (hg19) VCF-style: chr15-51829824-C-T.
Other names: c.1478G>A, p.Arg493Gln (NM_001174116.3, NM_001174117.3, NM_001378458.1 and 6 more transcripts); c.1238G>A, p.Arg413Gln (NM_001378464.1); c.1478G>A (NM_001174116.1); short protein forms R413Q, R493Q.
Identifiers: ClinVar variation 2170133 (VCV002170133.17), dbSNP rs1469637709, ClinGen allele CA392467559.

ClinVar aggregate classification (germline): Uncertain significance. Review status: criteria provided, multiple submitters, no conflicts (2 of 4 stars). 6 submissions from 6 submitters: Uncertain significance (5). 1 of the submissions does not count toward it. Last evaluated 2026-09-01.

Conditions:
Inborn genetic diseases. Identifiers: MedGen C0950123, MeSH D030342.
Polyendocrine-polyneuropathy syndrome (PEPNS). Identifiers: Orphanet 453533, MedGen C4015261, MONDO:0014497, OMIM 616113.
DMXL2-related disorder. Also called: DMXL2-related condition.

Allele frequency attached by ClinVar (database versions not stated): gnomAD 0.00001; gnomAD exomes 0.00001.
gnomAD v4.1: 29 of 1,613,648 alleles (0.0018%); highest among the groups gnomAD compares: African/African-American, 0.019%; no homozygotes.

Submissions (6):

CeGaT Center for Human Genetics Tuebingen
Classification: Uncertain significance. Last evaluated: 2026-09-01. Review status: criteria provided, single submitter. Criteria: CeGaT Center For Human Genetics Tuebingen Variant Classification Criteria Version 2. Collection method: clinical testing. Allele origin: germline. Affected: yes. Observed: 2 variant alleles.
Comment: DMXL2: PM2:Supporting, BP4

Labcorp Genetics (formerly Invitae), Labcorp
Classification: Uncertain significance. Last evaluated: 2025-12-30. Review status: criteria provided, single submitter. Criteria: Invitae Variant Classification Sherloc (09022015). Collection method: clinical testing. Allele origin: germline.
Comment: This sequence change replaces arginine, which is basic and polar, with glutamine, which is neutral and polar, at codon 493 of the DMXL2 protein (p.Arg493Gln). This variant is present in population databases (no rsID available, gnomAD 0.003%). This variant has not been reported in the literature in individuals affected with DMXL2-related conditions. ClinVar contains an entry for this variant (Variation ID: 2170133). An algorithm developed to predict the effect of missense changes on protein structure and function (PolyPhen-2) suggests that this variant is likely to be tolerated. In summary, the available evidence is currently insufficient to determine the role of this variant in disease. Therefore, it has been classified as a Variant of Uncertain Significance.

Ambry Genetics
Classification: Uncertain significance for Inborn genetic diseases. Last evaluated: 2025-06-10. Review status: criteria provided, single submitter. Criteria: Ambry Variant Classification Scheme 2023. Collection method: clinical testing. Allele origin: germline.

Genomic Medicine Center of Excellence, King Faisal Specialist Hospital and Research Centre
Classification: Uncertain significance for Polyendocrine-polyneuropathy syndrome. Last evaluated: 2024-12-19. Review status: criteria provided, single submitter. Criteria: ACMG Guidelines, 2015. Collection method: clinical testing. Allele origin: germline.

Blueprint Genetics
Classification: Uncertain significance. Last evaluated: 2024-09-23. Review status: criteria provided, single submitter. Criteria: ACMG Guidelines, 2015. Collection method: clinical testing. Allele origin: germline.

PreventionGenetics, part of Exact Sciences
Classification: Uncertain significance for DMXL2-related condition. Last evaluated: 2024-02-09. Review status: no assertion criteria provided. Collection method: clinical testing. Allele origin: germline. Not counted in ClinVar's aggregate classification.
Comment: The DMXL2 c.1478G>A variant is predicted to result in the amino acid substitution p.Arg493Gln. To our knowledge, this variant has not been reported in the literature. This variant is reported in 0.0033% of alleles in individuals of South Asian descent in gnomAD. At this time, the clinical significance of this variant is uncertain due to the absence of conclusive functional and genetic evidence.